The following is an entry in ClinVar:

ClinVar aggregate classification (germline): Uncertain significance (1 of 4 stars; one submission).

Conditions:
Alstrom syndrome (ALMS). Identifiers: Orphanet 64, MedGen C0268425, MONDO:0008763, OMIM 203800.

Allele frequency attached by ClinVar (database versions not stated): gnomAD exomes 0.00001.
gnomAD v4.1: 10 of 1,614,104 alleles (0.00062%); highest among the groups gnomAD compares: Non-Finnish European, 0.00076%; no homozygotes.

Submission:

Labcorp Genetics (formerly Invitae), Labcorp
Classification: Uncertain significance for Alstrom syndrome. Last evaluated: 2022-02-09. Review status: criteria provided, single submitter. Criteria: Invitae Variant Classification Sherloc (09022015). Collection method: clinical testing. Allele origin: germline.
Comment: This variant is not present in population databases (gnomAD no frequency). In summary, the available evidence is currently insufficient to determine the role of this variant in disease. Therefore, it has been classified as a Variant of Uncertain Significance. Experimental studies and prediction algorithms are not available or were not evaluated, and the functional significance of this variant is currently unknown. This variant has not been reported in the literature in individuals affected with ALMS1-related conditions. This sequence change replaces alanine, which is neutral and non-polar, with serine, which is neutral and polar, at codon 3405 of the ALMS1 protein (p.Ala3405Ser).

NM_001378454.1(ALMS1):c.10210G>T (p.Ala3404Ser)

Gene: ALMS1 (ALMS1 centrosome and basal body associated protein; plus strand). Cytogenetic location: 2p13.1.
Variant type: single nucleotide variant.
Coding change: c.10210G>T on transcript NM_001378454.1 (MANE Select); coding-DNA position 10210, G replaced by T.
Protein change: p.Ala3404Ser; replaces alanine 3404 with serine.
Molecular consequence: missense variant.
Genome position (GRCh38, 1-based): chr2:73,557,351, G>T. VCF-style: chr2-73557351-G-T. GRCh37 (hg19) VCF-style: chr2-73784478-G-T.
Other names: c.10213G>T, p.Ala3405Ser (NM_015120.4); short protein forms A3405S, A3404S.
Identifiers: ClinVar variation 2095545 (VCV002095545.4), dbSNP rs2466403070, ClinGen allele CA347276895.